The following is an entry in ClinVar:

ClinVar aggregate classification (germline): Uncertain significance. Review status: criteria provided, multiple submitters, no conflicts (2 of 4 stars). 2 submissions from 2 submitters: Uncertain significance (2). Last evaluated 2024-05-18.

Conditions:
Renal cell carcinoma. Identifiers: Orphanet 217071, MedGen C0007134, MeSH D002292, MONDO:0005086, HP:0005584.
Hereditary cancer-predisposing syndrome. Also called: Hereditary Cancer Syndrome; Neoplastic Syndromes, Hereditary; Tumor predisposition; Hereditary neoplastic syndrome. Identifiers: Orphanet 140162, MedGen C0027672, MeSH D009386, MONDO:0015356.

Submissions (2):

Ambry Genetics
Classification: Uncertain significance for Hereditary cancer-predisposing syndrome. Last evaluated: 2024-05-18. Review status: criteria provided, single submitter. Criteria: Ambry Variant Classification Scheme 2023. Collection method: clinical testing. Allele origin: germline.
Comment: The p.L1046P variant (also known as c.3137T>C), located in coding exon 14 of the MET gene, results from a T to C substitution at nucleotide position 3137. The leucine at codon 1046 is replaced by proline, an amino acid with similar properties. This amino acid position is conserved. In addition, this alteration is predicted to be deleterious by in silico analysis. Based on the available evidence, the clinical significance of this variant remains unclear.

Labcorp Genetics (formerly Invitae), Labcorp
Classification: Uncertain significance for Renal cell carcinoma. Last evaluated: 2024-05-15. Review status: criteria provided, single submitter. Criteria: Invitae Variant Classification Sherloc (09022015). Collection method: clinical testing. Allele origin: germline.
Comment: This sequence change replaces leucine, which is neutral and non-polar, with proline, which is neutral and non-polar, at codon 1046 of the MET protein (p.Leu1046Pro). This variant is not present in population databases (gnomAD no frequency). This variant has not been reported in the literature in individuals affected with MET-related conditions. An algorithm developed to predict the effect of missense changes on protein structure and function (PolyPhen-2) suggests that this variant is likely to be disruptive. In summary, the available evidence is currently insufficient to determine the role of this variant in disease. Therefore, it has been classified as a Variant of Uncertain Significance.

NM_000245.4(MET):c.3083T>C (p.Leu1028Pro)

Gene: MET (MET proto-oncogene, receptor tyrosine kinase; plus strand). Cytogenetic location: 7q31.2.
Variant type: single nucleotide variant.
Coding change: c.3083T>C on transcript NM_000245.4 (MANE Select); coding-DNA position 3083, T replaced by C.
Protein change: p.Leu1028Pro; replaces leucine 1028 with proline.
Molecular consequence: missense variant.
Genome position (GRCh38, 1-based): chr7:116,774,935, T>C. VCF-style: chr7-116774935-T-C. GRCh37 (hg19) VCF-style: chr7-116414989-T-C.
Other names: c.3137T>C, p.Leu1046Pro (NM_001127500.3); c.1793T>C, p.Leu598Pro (NM_001324402.2); short protein forms L1028P, L598P, L1046P.
Identifiers: ClinVar variation 2792691 (VCV002792691.4), dbSNP rs2485805855, ClinGen allele CA368987994.